The following is an entry in ClinVar:

NM_003482.4(KMT2D):c.6416C>T (p.Ala2139Val)

Gene: KMT2D (lysine methyltransferase 2D; minus strand). Cytogenetic location: 12q13.12.
Variant type: single nucleotide variant.
Coding change: c.6416C>T on transcript NM_003482.4 (MANE Select); coding-DNA position 6416, C replaced by T.
Protein change: p.Ala2139Val; replaces alanine 2139 with valine.
Molecular consequence: missense variant.
Genome position (GRCh38, 1-based): chr12:49,041,354, G>A on the plus strand (C>T on the coding strand, the complement: KMT2D is on the minus strand). VCF-style: chr12-49041354-G-A. GRCh37 (hg19) VCF-style: chr12-49435137-G-A.
Other names: short protein forms A2139V.
Identifiers: ClinVar variation 1565722 (VCV001565722.11), dbSNP rs754730634, ClinGen allele CA6547273.

ClinVar aggregate classification (germline): Likely benign. Review status: criteria provided, multiple submitters, no conflicts (2 of 4 stars). 3 submissions from 3 submitters: Likely benign (2). 1 of the submissions does not count toward it. Last evaluated 2026-01-26.

Conditions:
Inborn genetic diseases. Identifiers: MedGen C0950123, MeSH D030342.
KMT2D-related disorder. Also called: KMT2D-Related Disorders.
Kabuki syndrome. Also called: NIIKAWA-KUROKI SYNDROME; Kabuki make-up syndrome. Identifiers: Orphanet 2322, MedGen C0796004, MONDO:0016512.

Allele frequency attached by ClinVar (database versions not stated): gnomAD 0.00004 and 0.00005; TOPMed 0.00004; gnomAD exomes 0.00006 and 0.00009; ExAC 0.00019; 1000 Genomes Project 30x 0.00031.
gnomAD v4.1: 95 of 1,574,282 alleles (0.006%); highest among the groups gnomAD compares: Admixed American, 0.0072%; no homozygotes.

Submissions (3):

Labcorp Genetics (formerly Invitae), Labcorp
Classification: Likely benign for Kabuki syndrome. Last evaluated: 2026-01-26. Review status: criteria provided, single submitter. Criteria: Invitae Variant Classification Sherloc (09022015). Collection method: clinical testing. Allele origin: germline.

Ambry Genetics
Classification: Likely benign for Inborn genetic diseases. Last evaluated: 2021-09-01. Review status: criteria provided, single submitter. Criteria: Ambry Variant Classification Scheme 2023. Collection method: clinical testing. Allele origin: germline.

PreventionGenetics, part of Exact Sciences
Classification: Likely benign for KMT2D-related condition. Last evaluated: 2023-03-08. Review status: no assertion criteria provided. Collection method: clinical testing. Allele origin: germline. Not counted in ClinVar's aggregate classification.
Comment: This variant is classified as likely benign based on ACMG/AMP sequence variant interpretation guidelines (Richards et al. 2015 PMID: 25741868, with internal and published modifications).